The following is an entry in ClinVar:

ClinVar aggregate classification (germline): Uncertain significance. Review status: criteria provided, multiple submitters, no conflicts (2 of 4 stars). 2 submissions from 2 submitters: Uncertain significance (2). Last evaluated 2023-06-19.

Conditions:
DNAJC13-related disorder. Also called: DNAJC13-related condition.

Allele frequency attached by ClinVar (database versions not stated): ExAC 0.00001; gnomAD 0.00001; gnomAD exomes 0.00001; TOPMed 0.00001; ESP Exome Variant Server 0.00008.
gnomAD v4.1: 7 of 1,614,112 alleles (0.00043%); highest among the groups gnomAD compares: Non-Finnish European, 0.00059%; no homozygotes.

Submissions (2):

PreventionGenetics, part of Exact Sciences
Classification: Uncertain significance for DNAJC13-related condition. Last evaluated: 2023-06-19. Review status: criteria provided, single submitter. Criteria: ACMG Guidelines, 2015. Collection method: clinical testing. Allele origin: germline.
Comment: The DNAJC13 c.6163A>C variant is predicted to result in the amino acid substitution p.Ile2055Leu. To our knowledge, this variant has not been reported in the literature. This variant is reported in 0.00088% of alleles in individuals of European (Non-Finnish) descent in gnomAD. At this time, the clinical significance of this variant is uncertain due to the absence of conclusive functional and genetic evidence.

Ambry Genetics
Classification: Uncertain significance. Last evaluated: 2022-12-16. Review status: criteria provided, single submitter. Criteria: Ambry Variant Classification Scheme 2023. Collection method: clinical testing. Allele origin: germline.

NM_015268.4(DNAJC13):c.6163A>C (p.Ile2055Leu)

Gene: DNAJC13 (DnaJ heat shock protein family (Hsp40) member C13; plus strand). Cytogenetic location: 3q22.1.
Variant type: single nucleotide variant.
Coding change: c.6163A>C on transcript NM_015268.4 (MANE Select); coding-DNA position 6163, A replaced by C.
Protein change: p.Ile2055Leu; replaces isoleucine 2055 with leucine.
Molecular consequence: missense variant.
Genome position (GRCh38, 1-based): chr3:132,525,712, A>C. VCF-style: chr3-132525712-A-C. GRCh37 (hg19) VCF-style: chr3-132244556-A-C.
Other names: c.6178A>C, p.Ile2060Leu (NM_001329126.2); short protein forms I2060L, I2055L.
Identifiers: ClinVar variation 2336244 (VCV002336244.3), dbSNP rs367769510, ClinGen allele CA2620052.